The following is an entry in ClinVar:

NM_003954.5(MAP3K14):c.200C>A (p.Ala67Asp)

Gene: MAP3K14 (mitogen-activated protein kinase kinase kinase 14; minus strand). Cytogenetic location: 17q21.31.
Variant type: single nucleotide variant.
Coding change: c.200C>A on transcript NM_003954.5 (MANE Select); coding-DNA position 200, C replaced by A.
Protein change: p.Ala67Asp; replaces alanine 67 with aspartic acid.
Molecular consequence: missense variant.
Genome position (GRCh38, 1-based): chr17:45,290,546, G>T on the plus strand (C>A on the coding strand, the complement: MAP3K14 is on the minus strand). VCF-style: chr17-45290546-G-T. GRCh37 (hg19) VCF-style: chr17-43367912-G-T.
Other names: short protein forms A67D.
Identifiers: ClinVar variation 2117894 (VCV002117894.4), dbSNP rs569647218, ClinGen allele CA399892068.

ClinVar aggregate classification (germline): Uncertain significance (1 of 4 stars; one submission).

Conditions:
NIK deficiency. Also called: Primary immunodeficiency with multifaceted aberrant lymphoid immunity. Identifiers: Orphanet 447731, MedGen C5680065, MONDO:0018642.

Submission:

Labcorp Genetics (formerly Invitae), Labcorp
Classification: Uncertain significance for NIK deficiency. Last evaluated: 2022-03-26. Review status: criteria provided, single submitter. Criteria: Invitae Variant Classification Sherloc (09022015). Collection method: clinical testing. Allele origin: germline.
Comment: In summary, the available evidence is currently insufficient to determine the role of this variant in disease. Therefore, it has been classified as a Variant of Uncertain Significance. Experimental studies and prediction algorithms are not available or were not evaluated, and the functional significance of this variant is currently unknown. This variant has not been reported in the literature in individuals affected with MAP3K14-related conditions. This variant is not present in population databases (gnomAD no frequency). This sequence change replaces alanine, which is neutral and non-polar, with aspartic acid, which is acidic and polar, at codon 67 of the MAP3K14 protein (p.Ala67Asp).